The following is an entry in ClinVar:

ClinVar aggregate classification (germline): Uncertain significance (1 of 4 stars; one submission).

Conditions:
Danon disease. Also called: ANTOPOL DISEASE; PSEUDOGLYCOGENOSIS II; GSD IIb; LYSOSOMAL GLYCOGEN STORAGE DISEASE WITHOUT ACID MALTASE DEFICIENCY; Glycogen Storage Disease Type IIb. Identifiers: Orphanet 34587, MedGen C0878677, MONDO:0010281, OMIM 300257.

gnomAD v4.1: 1 of 1,209,742 alleles (0.000083%); highest among the groups gnomAD compares: Non-Finnish European, 0.00011%; no homozygotes.

Submission:

Labcorp Genetics (formerly Invitae), Labcorp
Classification: Uncertain significance for Danon disease. Last evaluated: 2024-07-24. Review status: criteria provided, single submitter. Criteria: Invitae Variant Classification Sherloc (09022015). Collection method: clinical testing. Allele origin: germline.
Comment: This sequence change replaces isoleucine, which is neutral and non-polar, with serine, which is neutral and polar, at codon 313 of the LAMP2 protein (p.Ile313Ser). This variant is not present in population databases (gnomAD no frequency). This variant has not been reported in the literature in individuals affected with LAMP2-related conditions. Advanced modeling of protein sequence and biophysical properties (such as structural, functional, and spatial information, amino acid conservation, physicochemical variation, residue mobility, and thermodynamic stability) performed at Invitae indicates that this missense variant is not expected to disrupt LAMP2 protein function with a negative predictive value of 80%. In summary, the available evidence is currently insufficient to determine the role of this variant in disease. Therefore, it has been classified as a Variant of Uncertain Significance.

NM_002294.3(LAMP2):c.938T>G (p.Ile313Ser)

Gene: LAMP2 (lysosome associated membrane protein 2; minus strand). Cytogenetic location: Xq24.
Variant type: single nucleotide variant.
Coding change: c.938T>G on transcript NM_002294.3 (MANE Select); coding-DNA position 938, T replaced by G.
Protein change: p.Ile313Ser; replaces isoleucine 313 with serine.
Molecular consequence: missense variant.
Genome position (GRCh38, 1-based): chrX:120,441,885, A>C on the plus strand (T>G on the coding strand, the complement: LAMP2 is on the minus strand). VCF-style: chrX-120441885-A-C. GRCh37 (hg19) VCF-style: chrX-119575740-A-C.
Other names: c.938T>G, p.Ile313Ser (NM_001122606.1, NM_013995.2); short protein forms I313S.
Identifiers: ClinVar variation 3690068 (VCV003690068.2).